The following is an entry in ClinVar:

NM_144508.5(KNL1):c.5383G>A (p.Asp1795Asn)

Gene: KNL1 (kinetochore scaffold 1; plus strand). Cytogenetic location: 15q15.1.
Variant type: single nucleotide variant.
Coding change: c.5383G>A on transcript NM_144508.5 (MANE Select); coding-DNA position 5383, G replaced by A.
Protein change: p.Asp1795Asn; replaces aspartic acid 1795 with asparagine.
Molecular consequence: missense variant.
Genome position (GRCh38, 1-based): chr15:40,628,076, G>A. VCF-style: chr15-40628076-G-A. GRCh37 (hg19) VCF-style: chr15-40920274-G-A.
Other names: c.5461G>A, p.Asp1821Asn (NM_170589.5); short protein forms D1821N, D1795N.
Identifiers: ClinVar variation 450905 (VCV000450905.2), dbSNP rs760315515, ClinGen allele CA7483383.

ClinVar aggregate classification (germline): Uncertain significance (1 of 4 stars; one submission).

Allele frequency attached by ClinVar (database versions not stated): gnomAD exomes below 0.00001 and 0.00001; ExAC 0.00002; TOPMed 0.00002.

Submission:

GeneDx
Classification: Uncertain significance. Last evaluated: 2017-07-28. Review status: criteria provided, single submitter. Criteria: GeneDx Variant Classification (06012015). Collection method: clinical testing. Allele origin: germline. Affected: yes.
Comment: The D1821N variant in the KNL1 gene has not been reported previously as a pathogenic variant, nor as a benign variant, to our knowledge. The D1821N variant is observed in 2/9752 (0.02%) alleles from individuals of African background, in the ExAC dataset (Lek et al., 2016). The D1821N variant is a semi-conservative amino acid substitution, which may impact secondary protein structure as these residues differ in some properties. This substitution occurs at a position that is not conserved. In silico analysis is inconsistent in its predictions as to whether or not the variant is damaging to the protein structure/function. We interpret D1821N as a variant of uncertain significance.